The following is an entry in ClinVar:

NM_001267550.2(TTN):c.24622G>A (p.Glu8208Lys)

Gene: TTN (titin; minus strand). Cytogenetic location: 2q31.2.
Variant type: single nucleotide variant.
Coding change: c.24622G>A on transcript NM_001267550.2 (MANE Select); coding-DNA position 24622, G replaced by A.
Protein change: p.Glu8208Lys; replaces glutamic acid 8208 with lysine.
Molecular consequence: missense variant. On other transcripts: intron variant (3).
Genome position (GRCh38, 1-based): chr2:178,718,484, C>T on the plus strand (G>A on the coding strand, the complement: TTN is on the minus strand). VCF-style: chr2-178718484-C-T. GRCh37 (hg19) VCF-style: chr2-179583211-C-T.
Other names: c.13282+19598G>A (NM_003319.4); c.13858+19598G>A (NM_133437.4); c.13657+19598G>A (NM_133432.3); c.23671G>A, p.Glu7891Lys (NM_001256850.1); c.20890G>A, p.Glu6964Lys (NM_133378.4); short protein forms E6964K, E8208K, E7891K.
Identifiers: ClinVar variation 178235 (VCV000178235.13), dbSNP rs190192954, ClinGen allele CA181873.

ClinVar aggregate classification (germline): Conflicting classifications of pathogenicity. Review status: criteria provided, conflicting classifications (1 of 4 stars). 6 submissions from 6 submitters: Uncertain significance (4); Likely benign (2). Last evaluated 2026-06-24.

Conditions:
TTN-related disorder. Also called: TTN-related condition; TTN-related disease; TTN-related disorders.
Dilated cardiomyopathy 1G (CMD1G). Identifiers: Orphanet 154, MedGen C1858763, MONDO:0011400, OMIM 604145.
Autosomal recessive limb-girdle muscular dystrophy type 2J (LGMDR10). Also called: Limb-girdle muscular dystrophy, type 2J; MUSCULAR DYSTROPHY, LIMB-GIRDLE, AUTOSOMAL RECESSIVE 10. Identifiers: Orphanet 140922, MedGen C1837342, MONDO:0012127, OMIM 608807.

Allele frequency attached by ClinVar (database versions not stated): gnomAD exomes 0.00002 and 0.00004; 1000 Genomes Project 30x 0.00016; ESP Exome Variant Server 0.00016; 1000 Genomes Project 0.00020; ExAC 0.00007; gnomAD 0.00014 and 0.00015; TOPMed 0.00026.
gnomAD v4.1: 51 of 1,613,682 alleles (0.0032%); highest among the groups gnomAD compares: African/African-American, 0.052%; no homozygotes.

Submissions (6):

PreventionGenetics, part of Exact Sciences
Classification: Uncertain significance for TTN-related condition. Last evaluated: 2026-06-24. Review status: criteria provided, single submitter. Criteria: ACMG Guidelines, 2015. Collection method: clinical testing. Allele origin: germline.
Comment: The TTN c.24622G>A variant is predicted to result in the amino acid substitution p.Glu8208Lys. To our knowledge, this variant has not been reported in the literature. This variant is reported in 0.054% of alleles in individuals of African descent in gnomAD. Although we suspect that this variant may be benign, at this time, the clinical significance of this variant is uncertain due to the absence of conclusive functional and genetic evidence.

Molecular Diagnostic Laboratory for Inherited Cardiovascular Disease, Montreal Heart Institute
Classification: Likely benign. Last evaluated: 2025-04-09. Review status: criteria provided, single submitter. Criteria: ACMG Guidelines, 2015. Collection method: clinical testing. Allele origin: germline. Affected: no.

GeneDx
Classification: Likely benign. Last evaluated: 2020-11-10. Review status: criteria provided, single submitter. Criteria: GeneDx Variant Classification Process June 2021. Collection method: clinical testing. Allele origin: germline. Affected: yes.

Revvity Omics, Revvity
Classification: Uncertain significance. Last evaluated: 2020-10-24. Review status: criteria provided, single submitter. Criteria: ACMG Guidelines, 2015. Collection method: clinical testing. Allele origin: germline.

Labcorp Genetics (formerly Invitae), Labcorp
Classification: Uncertain significance for Dilated cardiomyopathy 1G; Autosomal recessive limb-girdle muscular dystrophy type 2J. Last evaluated: 2017-05-31. Review status: criteria provided, single submitter. Criteria: Invitae Variant Classification Sherloc (09022015). Collection method: clinical testing. Allele origin: germline.

Laboratory for Molecular Medicine, Mass General Brigham Personalized Medicine
Classification: Uncertain significance. Last evaluated: 2014-05-01. Review status: criteria provided, single submitter. Criteria: LMM Criteria. Collection method: clinical testing. Allele origin: germline. Observed: 1 variant allele.
Comment: Variant classified as Uncertain Significance - Favor Benign. The Glu6964Lys vari ant in TTN has not been previously reported in individuals with cardiomyopathy, but has been identified in 2/3868 African American chromosomes by the NHLBI Exom e Sequencing Project (dbSNP rs190192954). Com putational prediction tools and conservation analysis do not provide strong supp ort for or against an impact to the protein, though 1 mammal (bush-tailed rat) c arries a lysine (Lys) at this position raising the possibility that this change may be tolerated. In summary, the clinical significance of the Glu6964Lys varian t is uncertain.